The following is an entry in ClinVar:

NM_000264.5(PTCH1):c.4077C>A (p.Ser1359Arg)

Gene: PTCH1 (patched 1; minus strand). Cytogenetic location: 9q22.32.
Variant type: single nucleotide variant.
Coding change: c.4077C>A on transcript NM_000264.5 (MANE Select); coding-DNA position 4077, C replaced by A.
Protein change: p.Ser1359Arg; replaces serine 1359 with arginine.
Molecular consequence: missense variant. On other transcripts: non-coding transcript variant (1).
Genome position (GRCh38, 1-based): chr9:95,447,179, G>T on the plus strand (C>A on the coding strand, the complement: PTCH1 is on the minus strand). VCF-style: chr9-95447179-G-T. GRCh37 (hg19) VCF-style: chr9-98209461-G-T.
Other names: c.3879C>A, p.Ser1293Arg (NM_001083602.3); c.4074C>A, p.Ser1358Arg (NM_001083603.3); c.3624C>A, p.Ser1208Arg (NM_001083604.3, NM_001083605.3, NM_001083606.3 and 1 more transcripts); c.3921C>A, p.Ser1307Arg (NM_001354918.2); short protein forms S1208R, S1293R, S1307R, S1358R, S1359R.
Identifiers: ClinVar variation 2678075 (VCV002678075.2), dbSNP rs2136577235, ClinGen allele CA374110364.

ClinVar aggregate classification (germline): Uncertain significance. Review status: criteria provided, multiple submitters, no conflicts (2 of 4 stars). 2 submissions from 2 submitters: Uncertain significance (2). Last evaluated 2025-12-20.

Conditions:
Hereditary cancer-predisposing syndrome. Also called: Tumor predisposition; Hereditary Cancer Syndrome; Hereditary neoplastic syndrome; Neoplastic Syndromes, Hereditary. Identifiers: Orphanet 140162, MedGen C0027672, MeSH D009386, MONDO:0015356.
Basal cell carcinoma, susceptibility to, 1. Also called: BCC1. Identifiers: MedGen C2751544, MONDO:0011556, OMIM 605462.

Allele frequency attached by ClinVar (database versions not stated): gnomAD exomes below 0.00001.
gnomAD v4.1: 1 of 1,613,066 alleles (0.000062%); highest among the groups gnomAD compares: Non-Finnish European, 0.000085%; no homozygotes.

Submissions (2):

Ambry Genetics
Classification: Uncertain significance for Hereditary cancer-predisposing syndrome. Last evaluated: 2025-12-20. Review status: criteria provided, single submitter. Criteria: Ambry Variant Classification Scheme 2023. Collection method: clinical testing. Allele origin: germline.
Comment: The p.S1359R variant (also known as c.4077C>A), located in coding exon 23 of the PTCH1 gene, results from a C to A substitution at nucleotide position 4077. The serine at codon 1359 is replaced by arginine, an amino acid with dissimilar properties. This amino acid position is conserved. In addition, this alteration is predicted to be tolerated by in silico analysis. Based on the available evidence, the clinical significance of this variant remains unclear.

Baylor Genetics
Classification: Uncertain significance for Basal cell carcinoma, susceptibility to, 1. Last evaluated: 2023-10-03. Review status: criteria provided, single submitter. Criteria: ACMG Guidelines, 2015. Collection method: clinical testing. Allele origin: unknown.